The following is an entry in ClinVar:

ClinVar aggregate classification (germline): Uncertain significance (1 of 4 stars; one submission).

Conditions:
Meckel syndrome, type 11 (MKS11). Identifiers: Orphanet 564, MedGen C3809352, MONDO:0014164, OMIM 615397.
Joubert syndrome 20 (JBTS20). Identifiers: Orphanet 475, MedGen C3554235, MONDO:0013994, OMIM 614970.

Allele frequency attached by ClinVar (database versions not stated): gnomAD exomes below 0.00001 and 0.00001; gnomAD 0.00001; TOPMed 0.00001.
gnomAD v4.1: 12 of 1,581,910 alleles (0.00076%); highest among the groups gnomAD compares: Non-Finnish European, 0.001%; no homozygotes.

Submission:

Labcorp Genetics (formerly Invitae), Labcorp
Classification: Uncertain significance for Joubert syndrome 20; Meckel syndrome, type 11. Last evaluated: 2021-06-12. Review status: criteria provided, single submitter. Criteria: Invitae Variant Classification Sherloc (09022015). Collection method: clinical testing. Allele origin: germline.
Comment: In summary, the available evidence is currently insufficient to determine the role of this variant in disease. Therefore, it has been classified as a Variant of Uncertain Significance. Algorithms developed to predict the effect of missense changes on protein structure and function are either unavailable or do not agree on the potential impact of this missense change (SIFT: "Tolerated"; PolyPhen-2: "Not Available"; Align-GVGD: "Class C0"). This variant has not been reported in the literature in individuals with TMEM231-related conditions. This variant is not present in population databases (ExAC no frequency). This sequence change replaces alanine with valine at codon 141 of the TMEM231 protein (p.Ala141Val). The alanine residue is weakly conserved and there is a small physicochemical difference between alanine and valine.

NM_001077418.3(TMEM231):c.263C>T (p.Ala88Val)

Gene: TMEM231 (transmembrane protein 231; minus strand). Cytogenetic location: 16q23.1.
Variant type: single nucleotide variant.
Coding change: c.263C>T on transcript NM_001077418.3 (MANE Select); coding-DNA position 263, C replaced by T.
Protein change: p.Ala88Val; replaces alanine 88 with valine.
Molecular consequence: missense variant. On other transcripts: non-coding transcript variant (1).
Genome position (GRCh38, 1-based): chr16:75,555,850, G>A on the plus strand (C>T on the coding strand, the complement: TMEM231 is on the minus strand). VCF-style: chr16-75555850-G-A. GRCh37 (hg19) VCF-style: chr16-75589748-G-A.
Other names: c.422C>T, p.Ala141Val (NM_001077416.2); short protein forms A141V, A88V.
Identifiers: ClinVar variation 1394384 (VCV001394384.8), dbSNP rs1309156955, ClinGen allele CA396808954.
Genomic context (GRCh38, chr16:75,555,850, plus strand): 5'-CGGGAACCACGCACCGAAACGAGCGGGACGCGCAGGCGATCCCCTTGCAGCCGGTTGAAG[G>A]CGGGGAACGTGCTCCAGGCGAGGAACCCGTCGCTTTCGGGTCCGAGCAGGGCCACGAGCA-3'
Protein context (NP_001070886.1, residues 78-98): DGFLAWSTFP[Ala88Val]FNRLQGDRLR